The following is an entry in ClinVar:

NC_000015.9:g.(?_100739503)_(101042054_?)dup

Genes: ADAMTS17 (ADAM metallopeptidase with thrombospondin type 1 motif 17; minus strand), CERS3 (ceramide synthase 3; minus strand). Cytogenetic location: 15q26.3.
Variant type: Duplication.
Identifiers: ClinVar variation 1447731 (VCV001447731.4).

ClinVar aggregate classification (germline): Uncertain significance (1 of 4 stars; one submission).

Submission:

Labcorp Genetics (formerly Invitae), Labcorp
Classification: Uncertain significance. Last evaluated: 2022-05-27. Review status: criteria provided, single submitter. Criteria: Invitae Variant Classification Sherloc (09022015). Collection method: clinical testing. Allele origin: germline.
Comment: This variant results in a copy number gain of the genomic region encompassing exon(s) 1-8 of the ADAMTS17 gene. This region includes the initiator codon of the gene. This copy number gain extends beyond the assayed region for this gene and therefore may encompass additional genes. As the precise location of this event is unknown, it may be in tandem or it may be located elsewhere in the genome. This variant has not been reported in the literature in individuals affected with ADAMTS17-related conditions. In summary, the available evidence is currently insufficient to determine the role of this variant in disease. Therefore, it has been classified as a Variant of Uncertain Significance.